The following is an entry in ClinVar:

ClinVar aggregate classification (germline): Likely benign (1 of 4 stars; one submission).

Allele frequency attached by ClinVar (database versions not stated): 1000 Genomes Project 30x 0.00094; 1000 Genomes Project 0.00120; ESP Exome Variant Server 0.00135; gnomAD 0.00188; TOPMed 0.00197; ExAC 0.00227.
gnomAD v4.1: 5,285 of 1,613,848 alleles (0.33%); highest among the groups gnomAD compares: Non-Finnish European, 0.42%; 10 homozygotes.

Submission:

CeGaT Center for Human Genetics Tuebingen
Classification: Likely benign. Last evaluated: 2023-03-01. Review status: criteria provided, single submitter. Criteria: CeGaT Center For Human Genetics Tuebingen Variant Classification Criteria Version 2. Collection method: clinical testing. Allele origin: germline. Affected: yes. Observed: 1 variant allele.
Comment: QSER1: BP4, BP7

NM_001076786.3(QSER1):c.1560G>A (p.Thr520=)

Gene: QSER1 (glutamine and serine rich 1; plus strand). Cytogenetic location: 11p13.
Variant type: single nucleotide variant.
Coding change: c.1560G>A on transcript NM_001076786.3 (MANE Select); coding-DNA position 1560, G replaced by A.
Protein change: p.Thr520=; no amino-acid change (threonine 520 retained).
Molecular consequence: synonymous variant.
Genome position (GRCh38, 1-based): chr11:32,932,818, G>A. VCF-style: chr11-32932818-G-A. GRCh37 (hg19) VCF-style: chr11-32954364-G-A.
Other names: c.1560G>A, p.Thr520= (NM_001416036.1, NM_001416037.1, NM_001416039.1); c.1398G>A, p.Thr466= (NM_001416038.1).
Identifiers: ClinVar variation 2641712 (VCV002641712.24), dbSNP rs183558161, ClinGen allele CA5936177.